The following is an entry in ClinVar:

ClinVar aggregate classification (germline): Uncertain significance (1 of 4 stars; one submission).

Allele frequency attached by ClinVar (database versions not stated): TOPMed 0.00002.
gnomAD v4.1: 1 of 1,614,158 alleles (0.000062%); highest among the groups gnomAD compares: Non-Finnish European, 0.000085%; no homozygotes.

Submission:

Labcorp Genetics (formerly Invitae), Labcorp
Classification: Uncertain significance. Last evaluated: 2021-04-13. Review status: criteria provided, single submitter. Criteria: Invitae Variant Classification Sherloc (09022015). Collection method: clinical testing. Allele origin: germline.
Comment: Algorithms developed to predict the effect of missense changes on protein structure and function (SIFT, PolyPhen-2, Align-GVGD) all suggest that this variant is likely to be disruptive, but these predictions have not been confirmed by published functional studies and their clinical significance is uncertain. This sequence change replaces glutamic acid with lysine at codon 253 of the POU4F3 protein (p.Glu253Lys). The glutamic acid residue is highly conserved and there is a small physicochemical difference between glutamic acid and lysine. This variant is not present in population databases (ExAC no frequency). This variant has not been reported in the literature in individuals with POU4F3-related conditions. In summary, the available evidence is currently insufficient to determine the role of this variant in disease. Therefore, it has been classified as a Variant of Uncertain Significance.

NM_002700.3(POU4F3):c.757G>A (p.Glu253Lys)

Genes: POU4F3 (POU class 4 homeobox 3; plus strand), RBM27-POU4F3 (RBM27-POU4F3 readthrough; plus strand). Cytogenetic location: 5q32.
Variant type: single nucleotide variant.
Coding change: c.757G>A on transcript NM_002700.3 (MANE Select); coding-DNA position 757, G replaced by A.
Protein change: p.Glu253Lys; replaces glutamic acid 253 with lysine.
Molecular consequence: missense variant.
Genome position (GRCh38, 1-based): chr5:146,340,184, G>A. VCF-style: chr5-146340184-G-A. GRCh37 (hg19) VCF-style: chr5-145719747-G-A.
Other names: short protein forms E253K.
Identifiers: ClinVar variation 1421455 (VCV001421455.8), dbSNP rs1415647997, ClinGen allele CA361622192.